The following is an entry in ClinVar:

NM_032043.3(BRIP1):c.3739G>C (p.Gly1247Arg)

Gene: BRIP1 (BRCA1 interacting DNA helicase 1; minus strand). Cytogenetic location: 17q23.2.
Variant type: single nucleotide variant.
Coding change: c.3739G>C on transcript NM_032043.3 (MANE Select); coding-DNA position 3739, G replaced by C.
Protein change: p.Gly1247Arg; replaces glycine 1247 with arginine.
Molecular consequence: missense variant.
Genome position (GRCh38, 1-based): chr17:61,683,307, C>G on the plus strand (G>C on the coding strand, the complement: BRIP1 is on the minus strand). VCF-style: chr17-61683307-C-G. GRCh37 (hg19) VCF-style: chr17-59760668-C-G.
Other names: short protein forms G1247R.
Identifiers: ClinVar variation 1734450 (VCV001734450.2), dbSNP rs1196057129, ClinGen allele CA400477711.

ClinVar aggregate classification (germline): Uncertain significance (1 of 4 stars; one submission).

Conditions:
Hereditary cancer-predisposing syndrome. Also called: Neoplastic Syndromes, Hereditary; Tumor predisposition; Hereditary Cancer Syndrome; Hereditary neoplastic syndrome. Identifiers: Orphanet 140162, MedGen C0027672, MeSH D009386, MONDO:0015356.

Submission:

Ambry Genetics
Classification: Uncertain significance for Hereditary cancer-predisposing syndrome. Last evaluated: 2021-08-11. Review status: criteria provided, single submitter. Criteria: Ambry Variant Classification Scheme 2023. Collection method: clinical testing. Allele origin: germline.
Comment: The p.G1247R variant (also known as c.3739G>C), located in coding exon 19 of the BRIP1 gene, results from a G to C substitution at nucleotide position 3739. The glycine at codon 1247 is replaced by arginine, an amino acid with dissimilar properties. This amino acid position is conserved. In addition, this alteration is predicted to be tolerated by in silico analysis. Since supporting evidence is limited at this time, the clinical significance of this alteration remains unclear.